The following is an entry in ClinVar:

ClinVar aggregate classification (germline): Uncertain significance. Review status: criteria provided, multiple submitters, no conflicts (2 of 4 stars). 2 submissions from 2 submitters: Uncertain significance (2). Last evaluated 2025-03-12.

Conditions:
Brain small vessel disease 2A, autosomal dominant. Also called: Porencephaly 2. Identifiers: Orphanet 2940, Orphanet 99810, MedGen C3280970, MONDO:0013773, OMIM 614483.

Submissions (2):

GeneDx
Classification: Uncertain significance. Last evaluated: 2025-03-12. Review status: criteria provided, single submitter. Criteria: GeneDx Variant Classification Process June 2021. Collection method: clinical testing. Allele origin: germline. Affected: yes.
Comment: Not observed at significant frequency in large population cohorts (gnomAD); In silico analysis supports that this missense variant has a deleterious effect on protein structure/function; Has not been previously published as pathogenic or benign to our knowledge

New York Genome Center
Classification: Uncertain significance for Brain small vessel disease 2A, autosomal dominant. Last evaluated: 2020-07-27. Review status: criteria provided, single submitter. Criteria: NYGC Assertion Criteria 2020. Collection method: clinical testing. Allele origin: inherited. Observed: 1 heterozygote. Study: CSER-NYCKidSeq.

NM_001846.4(COL4A2):c.670C>G (p.Pro224Ala)

Gene: COL4A2 (collagen type IV alpha 2 chain; plus strand). Cytogenetic location: 13q34.
Variant type: single nucleotide variant.
Coding change: c.670C>G on transcript NM_001846.4 (MANE Select); coding-DNA position 670, C replaced by G.
Protein change: p.Pro224Ala; replaces proline 224 with alanine.
Molecular consequence: missense variant.
Genome position (GRCh38, 1-based): chr13:110,432,346, C>G. VCF-style: chr13-110432346-C-G. GRCh37 (hg19) VCF-style: chr13-111084693-C-G.
Other names: c.670C>G (NM_001846.2); short protein forms P224A.
Identifiers: ClinVar variation 1098598 (VCV001098598.2), dbSNP rs1240828595, ClinGen allele CA388730425.